The following is an entry in ClinVar:

ClinVar aggregate classification (germline): Uncertain significance (1 of 4 stars; one submission).

Conditions:
Retinoblastoma (RB1). Also called: RETINOBLASTOMA, SOMATIC. Identifiers: Orphanet 790, MedGen C0035335, MeSH D012175, MONDO:0008380, OMIM 180200, HP:0009919. Disease mechanism: loss of function. Inheritance: Both sporadic and heritable forms are tested..

Submission:

Labcorp Genetics (formerly Invitae), Labcorp
Classification: Uncertain significance for Retinoblastoma. Last evaluated: 2025-04-29. Review status: criteria provided, single submitter. Criteria: Invitae Variant Classification Sherloc (09022015). Collection method: clinical testing. Allele origin: germline.
Comment: This variant occurs in a non-coding region of the RB1 gene. It does not change the encoded amino acid sequence of the RB1 protein. This variant is not present in population databases (gnomAD no frequency). This variant has not been reported in the literature in individuals affected with RB1-related conditions. Experimental studies and prediction algorithms are not available or were not evaluated, and the functional significance of this variant is currently unknown. In summary, the available evidence is currently insufficient to determine the role of this variant in disease. Therefore, it has been classified as a Variant of Uncertain Significance.

NC_000013.11:g.48303684C>T

Genes: RB1 (RB transcriptional corepressor 1; plus strand), RB1-DT (RB1 divergent transcript; minus strand). Cytogenetic location: 13q14.2.
Variant type: single nucleotide variant.
Molecular consequence: non-coding transcript variant (on NR_046414.2).
Genome position: GRCh38 VCF-style: chr13-48303684-C-T. GRCh37 (hg19) VCF-style: chr13-48877820-C-T.
Identifiers: ClinVar variation 4798364 (VCV004798364.1).